The following is an entry in ClinVar:

NM_000179.3(MSH6):c.1613A>G (p.Tyr538Cys)

Gene: MSH6 (mutS homolog 6; plus strand). Cytogenetic location: 2p16.3.
Variant type: single nucleotide variant.
Coding change: c.1613A>G on transcript NM_000179.3 (MANE Select); coding-DNA position 1613, A replaced by G.
Protein change: p.Tyr538Cys; replaces tyrosine 538 with cysteine.
Molecular consequence: missense variant.
Genome position (GRCh38, 1-based): chr2:47,799,596, A>G. VCF-style: chr2-47799596-A-G. GRCh37 (hg19) VCF-style: chr2-48026735-A-G.
Other names: c.1223A>G, p.Tyr408Cys (NM_001281492.2); c.707A>G, p.Tyr236Cys (NM_001281493.2, NM_001281494.2); short protein forms Y236C, Y538C, Y408C.
Identifiers: ClinVar variation 819667 (VCV000819667.5), dbSNP rs728619, ClinGen allele CA346747030.

ClinVar aggregate classification (germline): Uncertain significance (1 of 4 stars; one submission).

Conditions:
Hereditary cancer-predisposing syndrome. Also called: Neoplastic Syndromes, Hereditary; Tumor predisposition; Hereditary Cancer Syndrome; Hereditary neoplastic syndrome. Identifiers: Orphanet 140162, MedGen C0027672, MeSH D009386, MONDO:0015356.

Submission:

Ambry Genetics
Classification: Uncertain significance for Hereditary cancer-predisposing syndrome. Last evaluated: 2025-06-25. Review status: criteria provided, single submitter. Criteria: Ambry Variant Classification Scheme 2023. Collection method: clinical testing. Allele origin: germline.
Comment: The p.Y538C variant (also known as c.1613A>G), located in coding exon 4 of the MSH6 gene, results from an A to G substitution at nucleotide position 1613. The tyrosine at codon 538 is replaced by cysteine, an amino acid with highly dissimilar properties. This amino acid position is not well conserved in available vertebrate species. In addition, this alteration is predicted to be deleterious by in silico analysis. Based on the available evidence, the clinical significance of this variant remains unclear.